The following is an entry in ClinVar:

NM_139057.4(ADAMTS17):c.3278C>G (p.Pro1093Arg)

Gene: ADAMTS17 (ADAM metallopeptidase with thrombospondin type 1 motif 17; minus strand). Cytogenetic location: 15q26.3.
Variant type: single nucleotide variant.
Coding change: c.3278C>G on transcript NM_139057.4 (MANE Select); coding-DNA position 3278, C replaced by G.
Protein change: p.Pro1093Arg; replaces proline 1093 with arginine.
Molecular consequence: missense variant.
Genome position (GRCh38, 1-based): chr15:99,974,412, G>C on the plus strand (C>G on the coding strand, the complement: ADAMTS17 is on the minus strand). VCF-style: chr15-99974412-G-C. GRCh37 (hg19) VCF-style: chr15-100514617-G-C.
Other names: short protein forms P1093R.
Identifiers: ClinVar variation 4780673 (VCV004780673.1).
Genomic context (GRCh38, chr15:99,974,412, plus strand): 5'-GTGGGTTTCAGACCTGAGTCTGAGCTTTGAGCGACCCTTGGGACTGCGTGTCACGAGTTC[G>C]GCGGTGGCTGGCGCATCTTGTTTGCATAGAAGTCCCTGCAGGTCTGGCAGCAGCGCTGGT-3'
Protein context (NP_620688.2, residues 1083-1095): FYANKMRQPP[Pro1093Arg]NS

ClinVar aggregate classification (germline): Uncertain significance (1 of 4 stars; one submission).

gnomAD v4.1: 6 of 1,614,030 alleles (0.00037%); highest among the groups gnomAD compares: Non-Finnish European, 0.00051%; no homozygotes.

Submission:

Labcorp Genetics (formerly Invitae), Labcorp
Classification: Uncertain significance. Last evaluated: 2025-06-29. Review status: criteria provided, single submitter. Criteria: Invitae Variant Classification Sherloc (09022015). Collection method: clinical testing. Allele origin: germline.
Comment: This sequence change replaces proline, which is neutral and non-polar, with arginine, which is basic and polar, at codon 1093 of the ADAMTS17 protein (p.Pro1093Arg). This variant is not present in population databases (gnomAD no frequency). This variant has not been reported in the literature in individuals affected with ADAMTS17-related conditions. An algorithm developed to predict the effect of missense changes on protein structure and function (PolyPhen-2) suggests that this variant is likely to be tolerated. In summary, the available evidence is currently insufficient to determine the role of this variant in disease. Therefore, it has been classified as a Variant of Uncertain Significance.